The following is an entry in ClinVar:

ClinVar aggregate classification (germline): Likely pathogenic (1 of 4 stars; one submission).

Submission:

Labcorp Genetics (formerly Invitae), Labcorp
Classification: Likely pathogenic. Last evaluated: 2022-04-11. Review status: criteria provided, single submitter. Criteria: Invitae Variant Classification Sherloc (09022015). Collection method: clinical testing. Allele origin: germline.
Comment: This variant is not present in population databases (gnomAD no frequency). This sequence change affects an acceptor splice site in intron 50 of the DNAH9 gene. It is expected to disrupt RNA splicing. Variants that disrupt the donor or acceptor splice site typically lead to a loss of protein function (PMID: 16199547), and loss-of-function variants in DNAH9 are known to be pathogenic (PMID: 30471718). This variant has not been reported in the literature in individuals affected with DNAH9-related conditions. In summary, the currently available evidence indicates that the variant is pathogenic, but additional data are needed to prove that conclusively. Therefore, this variant has been classified as Likely Pathogenic. Algorithms developed to predict the effect of sequence changes on RNA splicing suggest that this variant may disrupt the consensus splice site.

Literature cited by the submitters: PubMed 16199547; PubMed 30471718.

NM_001372.4(DNAH9):c.9934-2A>G

Gene: DNAH9 (dynein axonemal heavy chain 9; plus strand). Cytogenetic location: 17p12.
Variant type: single nucleotide variant.
Coding change: c.9934-2A>G on transcript NM_001372.4 (MANE Select); the canonical splice acceptor site of the intron before coding-DNA position 9934, A replaced by G.
Molecular consequence: splice acceptor variant.
Genome position (GRCh38, 1-based): chr17:11,869,132, A>G. VCF-style: chr17-11869132-A-G. GRCh37 (hg19) VCF-style: chr17-11772449-A-G.
Identifiers: ClinVar variation 1950390 (VCV001950390.5), dbSNP rs2544795039, ClinGen allele CA398194963.
Genomic context (GRCh38, chr17:11,869,132, plus strand): 5'-ATGAGCACTGGTAGTTACATGGGCCGAAATGACTGATGGTCCTTGTATTCCTTCCTAAAC[A>G]GCACCTTAATGAAAACCTGGCAAAGCTCACAGCCAGGTTTGAGAAAGCAACAGCAGACAA-3'